The following is an entry in ClinVar:

ClinVar aggregate classification (germline): Uncertain significance (1 of 4 stars; one submission).

Allele frequency attached by ClinVar (database versions not stated): gnomAD 0.00001.

Submission:

Labcorp Genetics (formerly Invitae), Labcorp
Classification: Uncertain significance. Last evaluated: 2022-10-25. Review status: criteria provided, single submitter. Criteria: Invitae Variant Classification Sherloc (09022015). Collection method: clinical testing. Allele origin: germline.
Comment: This variant is not present in population databases (gnomAD no frequency). This sequence change replaces asparagine, which is neutral and polar, with isoleucine, which is neutral and non-polar, at codon 864 of the ENPP1 protein (p.Asn864Ile). This variant has not been reported in the literature in individuals affected with ENPP1-related conditions. Advanced modeling of protein sequence and biophysical properties (such as structural, functional, and spatial information, amino acid conservation, physicochemical variation, residue mobility, and thermodynamic stability) performed at Invitae indicates that this missense variant is not expected to disrupt ENPP1 protein function. In summary, the available evidence is currently insufficient to determine the role of this variant in disease. Therefore, it has been classified as a Variant of Uncertain Significance.

NM_006208.3(ENPP1):c.2591A>T (p.Asn864Ile)

Gene: ENPP1 (ectonucleotide pyrophosphatase/phosphodiesterase 1; plus strand). Cytogenetic location: 6q23.2.
Variant type: single nucleotide variant.
Coding change: c.2591A>T on transcript NM_006208.3 (MANE Select); coding-DNA position 2591, A replaced by T.
Protein change: p.Asn864Ile; replaces asparagine 864 with isoleucine.
Molecular consequence: missense variant.
Genome position (GRCh38, 1-based): chr6:131,886,708, A>T. VCF-style: chr6-131886708-A-T. GRCh37 (hg19) VCF-style: chr6-132207848-A-T.
Other names: short protein forms N864I.
Identifiers: ClinVar variation 2106004 (VCV002106004.4), dbSNP rs1782382643, ClinGen allele CA365658252.